The following is an entry in ClinVar:

NM_004415.4(DSP):c.2631-3_2631delinsTAGA

Gene: DSP (desmoplakin; plus strand). Cytogenetic location: 6p24.3.
Variant type: Indel.
Coding change: c.2631-3_2631delinsTAGA on transcript NM_004415.4 (MANE Select); 3 bases into the intron before coding-DNA position 2631 through coding-DNA position 2631, CAGG replaced by TAGA.
Molecular consequence: splice acceptor variant.
Genome position (GRCh38, 1-based): chr6:7,576,291-7,576,294, CAGG replaced by TAGA. VCF-style: chr6-7576291-CAGG-TAGA. GRCh37 (hg19) VCF-style: chr6-7576524-CAGG-TAGA.
Other names: c.2631-3_2631delinsTAGA (NM_001319034.2, NM_001008844.3).
Identifiers: ClinVar variation 2691588 (VCV002691588.1), dbSNP rs2533911006, ClinGen allele CA2697546626.

ClinVar aggregate classification (germline): Uncertain significance (1 of 4 stars; one submission).

Submission:

Women's Health and Genetics/Laboratory Corporation of America, LabCorp
Classification: Uncertain significance. Last evaluated: 2023-12-11. Review status: criteria provided, single submitter. Criteria: LabCorp Variant Classification Summary - May 2015. Collection method: clinical testing. Allele origin: germline.
Comment: Variant summary: The variant c.2631-3_2631delinsTAGA, is a multinucleotide combination of splice-region variant c.2631-3C>T and synonymous variant c.2631G>A. Consensus agreement among computation tools predict no significant impact on normal splicing. However, these predictions have yet to be confirmed by functional studies. The variant was absent in 282406 control chromosomes. The available data on variant occurrences in the general population are insufficient to allow any conclusion about variant significance. To our knowledge, no occurrence of c.2631-3_2631delinsTAGA in individuals affected with Arrhythmogenic Right Ventricular Dysplasia/Cardiomyopathy and no experimental evidence demonstrating its impact on protein function have been reported. No submitters have cited clinical-significance assessments for this variant to ClinVar after 2014. Based on the evidence outlined above, the variant was classified as uncertain significance.